The following is an entry in ClinVar:

NM_001242957.3(MAK):c.639C>A (p.Cys213Ter)

Gene: MAK (male germ cell associated kinase; minus strand). Cytogenetic location: 6p24.2.
Variant type: single nucleotide variant.
Coding change: c.639C>A on transcript NM_001242957.3 (MANE Select); coding-DNA position 639, C replaced by A.
Protein change: p.Cys213Ter; replaces cysteine 213 with a stop codon.
Molecular consequence: nonsense. On other transcripts: non-coding transcript variant (2).
Genome position (GRCh38, 1-based): chr6:10,803,744, G>T on the plus strand (C>A on the coding strand, the complement: MAK is on the minus strand). VCF-style: chr6-10803744-G-T. GRCh37 (hg19) VCF-style: chr6-10803977-G-T.
Other names: c.639C>A, p.Cys213Ter (NM_001242385.2, NM_005906.6); c.537C>A, p.Cys179Ter (NM_001377262.1); c.639C>A (NM_001242957.2); short protein forms C179*, C213*.
Identifiers: ClinVar variation 1275784 (VCV001275784.6), dbSNP rs143572116, ClinGen allele CA3633666.

ClinVar aggregate classification (germline): Pathogenic. Review status: criteria provided, multiple submitters, no conflicts (2 of 4 stars). 3 submissions from 3 submitters: Pathogenic (3). Last evaluated 2025-05-21.

Conditions:
MAK-related disorder. Also called: MAK-related condition.

Allele frequency attached by ClinVar (database versions not stated): gnomAD exomes below 0.00001; ExAC 0.00001; gnomAD 0.00001; TOPMed 0.00001; ESP Exome Variant Server 0.00008.
gnomAD v4.1: 3 of 1,613,800 alleles (0.00019%); highest among the groups gnomAD compares: Non-Finnish European, 0.00025%; no homozygotes.

Submissions (3):

PreventionGenetics, part of Exact Sciences
Classification: Pathogenic for MAK-related condition. Last evaluated: 2025-05-21. Review status: criteria provided, single submitter. Criteria: ACMG Guidelines, 2015. Collection method: clinical testing. Allele origin: germline.
Comment: The MAK c.639C>A variant is predicted to result in premature protein termination (p.Cys213*). This variant has been reported along with a second MAK variant in an individual with retinal disease (Table S1, Weisschuh et al. 2024. PubMed ID: 37734845). This variant is present in 0.00077% of alleles in individuals of European (Non-Finnish) descent in gnomAD. Nonsense variants in MAK are an established mechanism of disease. This variant is interpreted as pathogenic.

Labcorp Genetics (formerly Invitae), Labcorp
Classification: Pathogenic. Last evaluated: 2023-06-17. Review status: criteria provided, single submitter. Criteria: Invitae Variant Classification Sherloc (09022015). Collection method: clinical testing. Allele origin: germline.
Comment: For these reasons, this variant has been classified as Pathogenic. ClinVar contains an entry for this variant (Variation ID: 1275784). This variant has not been reported in the literature in individuals affected with MAK-related conditions. The frequency data for this variant in the population databases is considered unreliable, as metrics indicate poor data quality at this position in the gnomAD database. This sequence change creates a premature translational stop signal (p.Cys213*) in the MAK gene. It is expected to result in an absent or disrupted protein product. Loss-of-function variants in MAK are known to be pathogenic (PMID: 21148103, 21825139, 24938718, 29781741).

Institute of Medical Genetics and Applied Genomics, University Hospital Tübingen
Classification: Pathogenic. Last evaluated: 2021-09-15. Review status: criteria provided, single submitter. Criteria: ACMG Guidelines, 2015. Collection method: clinical testing. Allele origin: germline. Inheritance: Autosomal recessive inheritance. Affected: yes.

Literature cited by the submitters: PubMed 21148103 (cited by Labcorp Genetics (formerly Invitae), Labcorp); PubMed 21825139 (cited by Labcorp Genetics (formerly Invitae), Labcorp); PubMed 24938718 (cited by Labcorp Genetics (formerly Invitae), Labcorp); PubMed 29781741 (cited by Labcorp Genetics (formerly Invitae), Labcorp).